The following is an entry in ClinVar:

NM_000388.4(CASR):c.1268C>A (p.Ala423Glu)

Gene: CASR (calcium sensing receptor; plus strand). Cytogenetic location: 3q21.1.
Variant type: single nucleotide variant.
Coding change: c.1268C>A on transcript NM_000388.4 (MANE Select); coding-DNA position 1268, C replaced by A.
Protein change: p.Ala423Glu; replaces alanine 423 with glutamic acid.
Molecular consequence: missense variant.
Genome position (GRCh38, 1-based): chr3:122,262,303, C>A. VCF-style: chr3-122262303-C-A. GRCh37 (hg19) VCF-style: chr3-121981150-C-A.
Other names: c.1268C>A, p.Ala423Glu (NM_001178065.2); short protein forms A423E.
Identifiers: ClinVar variation 1192264 (VCV001192264.1), dbSNP rs2107633192, ClinGen allele CA354152959.

ClinVar aggregate classification (germline): Uncertain significance (1 of 4 stars; one submission).

Submission:

Women's Health and Genetics/Laboratory Corporation of America, LabCorp
Classification: Uncertain significance. Last evaluated: 2021-07-13. Review status: criteria provided, single submitter. Criteria: LabCorp Variant Classification Summary - May 2015. Collection method: clinical testing. Allele origin: germline.
Comment: Variant summary: CASR c.1268C>A (p.Ala423Glu) results in a non-conservative amino acid change located in the ligand binding domain (IPR001828) of the encoded protein sequence. Five of five in-silico tools predict a damaging effect of the variant on protein function. The variant was absent in 251398 control chromosomes (gnomAD). The available data on variant occurrences in the general population are insufficient to allow any conclusion about variant significance. To our knowledge, no occurrence of c.1268C>A in individuals affected with Autosomal Dominant Hypocalcemia and no experimental evidence demonstrating its impact on protein function have been reported. No clinical diagnostic laboratories have submitted clinical-significance assessments for this variant to ClinVar after 2014. Based on the evidence outlined above, the variant was classified as uncertain significance.